The following is an entry in ClinVar:

NM_019023.5(PRMT7):c.*650C>T

Gene: PRMT7 (protein arginine methyltransferase 7; plus strand). Cytogenetic location: 16q22.1.
Variant type: single nucleotide variant.
Coding change: c.*650C>T on transcript NM_019023.5 (MANE Select); 650 bases downstream of the stop codon, C replaced by T.
Molecular consequence: 3 prime UTR variant. On other transcripts: missense variant (1), non-coding transcript variant (12).
Genome position (GRCh38, 1-based): chr16:68,357,874, C>T. VCF-style: chr16-68357874-C-T. GRCh37 (hg19) VCF-style: chr16-68391777-C-T.
Other names: c.*650C>T (NM_001184824.4, NM_001290018.2, NM_001351144.3 and 5 more transcripts); c.2138C>T, p.Ser713Phe (NM_001351143.3); short protein forms S713F.
Identifiers: ClinVar variation 4981808 (VCV004981808.1).

ClinVar aggregate classification (germline): Likely benign (1 of 4 stars; one submission).

Conditions:
PRMT7-related disorder. Also called: PRMT7-related condition.

gnomAD v4.1: 197 of 152,490 alleles (0.13%); highest among the groups gnomAD compares: Middle Eastern, 0.34%; no homozygotes.

Submission:

PreventionGenetics, part of Exact Sciences
Classification: Likely benign for PRMT7-related condition. Last evaluated: 2025-04-09. Review status: criteria provided, single submitter. Criteria: ACMG Guidelines, 2015. Collection method: clinical testing. Allele origin: germline.
Comment: This variant is classified as likely benign based on ACMG/AMP sequence variant interpretation guidelines (Richards et al. 2015 PMID: 25741868, with internal and published modifications).